The following is an entry in ClinVar:

ClinVar aggregate classification (germline): Uncertain significance (1 of 4 stars; one submission).

Conditions:
Cystic fibrosis (CF). Also called: MUCOVISCIDOSIS. Identifiers: Orphanet 586, MedGen C0010674, MONDO:0009061, OMIM 219700. Disease mechanism: loss of function.

Submission:

Ambry Genetics
Classification: Uncertain significance for Cystic fibrosis. Last evaluated: 2025-01-17. Review status: criteria provided, single submitter. Criteria: Ambry Variant Classification Scheme 2023. Collection method: clinical testing. Allele origin: germline.
Comment: The p.I1112V variant (also known as c.3334A>G), located in coding exon 20 of the CFTR gene, results from an A to G substitution at nucleotide position 3334. The isoleucine at codon 1112 is replaced by valine, an amino acid with highly similar properties. This amino acid position is conserved. In addition, the in silico prediction for this alteration is inconclusive. Based on the available evidence, the clinical significance of this variant remains unclear.

NM_000492.4(CFTR):c.3334A>G (p.Ile1112Val)

Genes: CFTR (CF transmembrane conductance regulator; plus strand), CFTR-AS2 (CFTR antisense RNA 2; minus strand), LOC111674472 (DNase I hypersensitive sites in introns 16 and 17a of CFTR; plus strand). Cytogenetic location: 7q31.2.
Variant type: single nucleotide variant.
Coding change: c.3334A>G on transcript NM_000492.4 (MANE Select); coding-DNA position 3334, A replaced by G.
Protein change: p.Ile1112Val; replaces isoleucine 1112 with valine.
Molecular consequence: missense variant.
Genome position (GRCh38, 1-based): chr7:117,611,775, A>G. VCF-style: chr7-117611775-A-G. GRCh37 (hg19) VCF-style: chr7-117251829-A-G.
Other names: short protein forms I1112V.
Identifiers: ClinVar variation 3832577 (VCV003832577.1).